The following is an entry in ClinVar:

NM_139125.4(MASP1):c.834G>C (p.Leu278=)

Gene: MASP1 (MBL associated serine protease 1; minus strand). Cytogenetic location: 3q27.3.
Variant type: single nucleotide variant.
Coding change: c.834G>C on transcript NM_139125.4 (MANE Select); coding-DNA position 834, G replaced by C.
Protein change: p.Leu278=; no amino-acid change (leucine 278 retained).
Molecular consequence: synonymous variant. On other transcripts: non-coding transcript variant (1).
Genome position (GRCh38, 1-based): chr3:187,253,226, C>G on the plus strand (G>C on the coding strand, the complement: MASP1 is on the minus strand). VCF-style: chr3-187253226-C-G. GRCh37 (hg19) VCF-style: chr3-186971014-C-G.
Other names: c.834G>C, p.Leu278= (NM_001031849.3, NM_001879.6).
Identifiers: ClinVar variation 4820929 (VCV004820929.4).

ClinVar aggregate classification (germline): Likely benign (1 of 4 stars; one submission).

gnomAD v4.1: 595 of 1,614,088 alleles (0.037%); highest among the groups gnomAD compares: Non-Finnish European, 0.0054%; 6 homozygotes.

Submission:

CeGaT Center for Human Genetics Tuebingen
Classification: Likely benign. Last evaluated: 2026-03-01. Review status: criteria provided, single submitter. Criteria: CeGaT Center For Human Genetics Tuebingen Variant Classification Criteria Version 2. Collection method: clinical testing. Allele origin: germline. Affected: yes. Observed: 1 variant allele.
Comment: MASP1: BP4, BP7